The following is an entry in ClinVar:

NM_002397.5(MEF2C):c.1319G>A (p.Arg440Gln)

Genes: MEF2C-AS2 (MEF2C antisense RNA 2; plus strand), MEF2C (myocyte enhancer factor 2C; minus strand). Cytogenetic location: 5q14.3.
Variant type: single nucleotide variant.
Coding change: c.1319G>A on transcript NM_002397.5 (MANE Select); coding-DNA position 1319, G replaced by A.
Protein change: p.Arg440Gln; replaces arginine 440 with glutamine.
Molecular consequence: missense variant. On other transcripts: 3 prime UTR variant (9), non-coding transcript variant (1).
Genome position (GRCh38, 1-based): chr5:88,722,707, C>T on the plus strand (G>A on the coding strand, the complement: MEF2C is on the minus strand). VCF-style: chr5-88722707-C-T. GRCh37 (hg19) VCF-style: chr5-88018524-C-T.
Other names: c.1079G>A, p.Arg360Gln (NM_001193349.3, NM_001364332.2); c.1319G>A, p.Arg440Gln (NM_001193350.2, NM_001364329.2, NM_001364330.2 and 1 more transcripts); c.1295G>A, p.Arg432Gln (NM_001308002.3, NM_001364333.2); c.1223G>A, p.Arg408Gln (NM_001363581.2, NM_001364334.2, NM_001364335.2 and 2 more transcripts); c.1175G>A, p.Arg392Gln (NM_001364344.2); c.*54G>A (NM_001364345.2, NM_001364346.2, NM_001364347.2 and 6 more transcripts); c.941G>A, p.Arg314Gln (NM_001364353.2); c.845G>A, p.Arg282Gln (NM_001364356.2); and 7 more; short protein forms R258Q, R440Q, R314Q, R360Q, R384Q, R430Q, R408Q, R418Q.
Identifiers: ClinVar variation 1031130 (VCV001031130.1), dbSNP rs1360994640, ClinGen allele CA360421905.

ClinVar aggregate classification (germline): Uncertain significance (1 of 4 stars; one submission).

Conditions:
Neurodevelopmental disorder with hypotonia, stereotypic hand movements, and impaired language. Also called: Intellectual disability, autosomal dominant 20. Identifiers: Orphanet 228384, Orphanet 664410, MedGen C3150700, MONDO:0013266, OMIM 613443.

Allele frequency attached by ClinVar (database versions not stated): gnomAD exomes below 0.00001.
gnomAD v4.1: 1 of 1,613,890 alleles (0.000062%); highest among the groups gnomAD compares: Non-Finnish European, 0.000085%; no homozygotes.

Submission:

Baylor Genetics
Classification: Uncertain significance for Neurodevelopmental disorder with hypotonia, stereotypic hand movements, and impaired language. Last evaluated: 2020-04-05. Review status: criteria provided, single submitter. Criteria: ACMG Guidelines, 2015. Collection method: clinical testing. Allele origin: unknown. Affected: yes.
Comment: This variant was determined to be of uncertain significance according to ACMG Guidelines, 2015 [PMID:25741868].